The following is an entry in ClinVar:

ClinVar aggregate classification (germline): Benign/Likely benign. Review status: criteria provided, multiple submitters, no conflicts (2 of 4 stars). 12 submissions from 12 submitters: Benign (2); Likely benign (10). Last evaluated 2026-01-27.

Conditions:
MYL2-related disorder. Also called: MYL2-related condition; MYL2-related disease; MYL2-related disorders.
Cardiovascular phenotype. Identifiers: MedGen CN230736.
Cardiomyopathy (CMYO). Also called: Cardiomyopathies. Identifiers: Orphanet 167848, MedGen C0878544, MONDO:0004994, HP:0001638. Inheritance: Various modes of inheritance.
Hypertrophic cardiomyopathy 10. Also called: MYL2-Related Familial Hypertrophic Cardiomyopathy; CARDIOMYOPATHY, HYPERTROPHIC, MID-LEFT VENTRICULAR CHAMBER TYPE, 2. Identifiers: MedGen C1834460, MONDO:0012112, OMIM 608758.
Hypertrophic cardiomyopathy. Also called: HYPERTROPHIC MYOCARDIOPATHY. Identifiers: Orphanet 217569, MedGen C0007194, MeSH D002312, MONDO:0005045, HP:0001639.

Allele frequency attached by ClinVar (database versions not stated): gnomAD exomes 0.00008 and 0.00005; ESP Exome Variant Server 0.00015; ExAC 0.00005; gnomAD 0.00008 and 0.00032; 1000 Genomes Project 30x 0.00016; 1000 Genomes Project 0.00020; TOPMed 0.00033.
gnomAD v4.1: 165 of 1,614,238 alleles (0.01%); highest among the groups gnomAD compares: Non-Finnish European, 0.011%; 3 homozygotes.

Submissions (12):

Labcorp Genetics (formerly Invitae), Labcorp
Classification: Likely benign for Hypertrophic cardiomyopathy 10. Last evaluated: 2026-01-27. Review status: criteria provided, single submitter. Criteria: Invitae Variant Classification Sherloc (09022015). Collection method: clinical testing. Allele origin: germline.

Mayo Clinic Laboratories, Mayo Clinic
Classification: Likely benign. Last evaluated: 2025-11-23. Review status: criteria provided, single submitter. Criteria: ACMG Guidelines, 2015. Collection method: clinical testing. Allele origin: germline. Observed: 1 variant allele.
Comment: BP4, BP7

PreventionGenetics, part of Exact Sciences
Classification: Likely benign for MYL2-related condition. Last evaluated: 2025-07-23. Review status: criteria provided, single submitter. Criteria: ACMG Guidelines, 2015. Collection method: clinical testing. Allele origin: germline.
Comment: This variant is classified as likely benign based on ACMG/AMP sequence variant interpretation guidelines (Richards et al. 2015 PMID: 25741868, with internal and published modifications).

All of Us Research Program, National Institutes of Health
Classification: Likely benign for Hypertrophic cardiomyopathy. Last evaluated: 2024-01-11. Review status: criteria provided, single submitter. Criteria: ACMG Guidelines, 2015. Collection method: clinical testing. Allele origin: germline. Inheritance: Autosomal dominant inheritance. Observed: 30 variant alleles, 30 heterozygotes.
Comment: This study involves interpretation of variants in research participants for the purpose of population health screening. Participant phenotype was not available at the time of variant classification. Additional details can be found in publication PMID: 35346344, PMCID: PMC8962531

Blueprint Genetics
Classification: Likely benign. Last evaluated: 2023-12-28. Review status: criteria provided, single submitter. Criteria: ACMG Guidelines, 2015. Collection method: clinical testing. Allele origin: germline.

CeGaT Center for Human Genetics Tuebingen
Classification: Likely benign. Last evaluated: 2022-09-01. Review status: criteria provided, single submitter. Criteria: CeGaT Center For Human Genetics Tuebingen Variant Classification Criteria Version 2. Collection method: clinical testing. Allele origin: germline. Affected: yes. Observed: 1 variant allele.
Comment: MYL2: BP4, BP7

Women's Health and Genetics/Laboratory Corporation of America, LabCorp
Classification: Benign. Last evaluated: 2019-10-30. Review status: criteria provided, single submitter. Criteria: LabCorp Variant Classification Summary - May 2015. Collection method: clinical testing. Allele origin: germline.

Color Diagnostics, LLC DBA Color Health
Classification: Likely benign for Cardiomyopathy. Last evaluated: 2019-05-04. Review status: criteria provided, single submitter. Criteria: ACMG Guidelines, 2015. Collection method: clinical testing. Allele origin: germline.

Ambry Genetics
Classification: Likely benign for Cardiovascular phenotype. Last evaluated: 2019-02-11. Review status: criteria provided, single submitter. Criteria: Ambry Variant Classification Scheme 2023. Collection method: clinical testing. Allele origin: germline.

CHEO Genetics Diagnostic Laboratory, Children's Hospital of Eastern Ontario
Classification: Likely benign for Cardiomyopathy. Last evaluated: 2018-02-02. Review status: criteria provided, single submitter. Criteria: ACMG Guidelines, 2015. Collection method: clinical testing. Allele origin: germline.

GeneDx
Classification: Benign. Last evaluated: 2014-01-22. Review status: criteria provided, single submitter. Criteria: GeneDx Variant Classification (06012015). Collection method: clinical testing. Allele origin: germline. Affected: yes.
Comment: This variant is considered likely benign or benign based on one or more of the following criteria: it is a conservative change, it occurs at a poorly conserved position in the protein, it is predicted to be benign by multiple in silico algorithms, and/or has population frequency not consistent with disease.

Laboratory for Molecular Medicine, Mass General Brigham Personalized Medicine
Classification: Likely benign. Last evaluated: 2008-03-01. Review status: criteria provided, single submitter. Criteria: LMM Criteria. Collection method: clinical testing. Allele origin: germline. Observed: 1 variant allele.

NM_000432.4(MYL2):c.342G>A (p.Leu114=)

Gene: MYL2 (myosin light chain 2; minus strand). Cytogenetic location: 12q24.11.
Variant type: single nucleotide variant.
Coding change: c.342G>A on transcript NM_000432.4 (MANE Select); coding-DNA position 342, G replaced by A.
Protein change: p.Leu114=; no amino-acid change (leucine 114 retained).
Molecular consequence: synonymous variant.
Genome position (GRCh38, 1-based): chr12:110,913,257, C>T on the plus strand (G>A on the coding strand, the complement: MYL2 is on the minus strand). VCF-style: chr12-110913257-C-T. GRCh37 (hg19) VCF-style: chr12-111351061-C-T.
Other names: p.L114L:CTG>CTA; p.Leu114=.
Identifiers: ClinVar variation 43469 (VCV000043469.56), dbSNP rs199572927, ClinGen allele CA010126.